The following is an entry in ClinVar:

NM_020822.3(KCNT1):c.2020A>G (p.Met674Val)

Gene: KCNT1 (potassium sodium-activated channel subfamily T member 1; plus strand). Cytogenetic location: 9q34.3.
Variant type: single nucleotide variant.
Coding change: c.2020A>G on transcript NM_020822.3 (MANE Select); coding-DNA position 2020, A replaced by G.
Protein change: p.Met674Val; replaces methionine 674 with valine.
Molecular consequence: missense variant.
Genome position (GRCh38, 1-based): chr9:135,772,726, A>G. VCF-style: chr9-135772726-A-G. GRCh37 (hg19) VCF-style: chr9-138664572-A-G.
Other names: c.1885A>G, p.Met629Val (NM_001272003.2); short protein forms M674V, M629V.
Identifiers: ClinVar variation 540585 (VCV000540585.9), dbSNP rs753401695, ClinGen allele CA5327169.

ClinVar aggregate classification (germline): Uncertain significance. Review status: criteria provided, multiple submitters, no conflicts (2 of 4 stars). 3 submissions from 3 submitters: Uncertain significance (3). Last evaluated 2025-12-01.

Conditions:
Inborn genetic diseases. Identifiers: MedGen C0950123, MeSH D030342.
Developmental and epileptic encephalopathy, 14 (DEE14). Also called: Early infantile epileptic encephalopathy 14. Identifiers: Orphanet 293181, MedGen C3554195, MONDO:0013989, OMIM 614959.
Autosomal dominant nocturnal frontal lobe epilepsy 5. Also called: CILIARY DYSKINESIA, PRIMARY, 28, WITHOUT SITUS INVERSUS; CILIARY DYSKINESIA, PRIMARY, 28, WITH SITUS INVERSUS; Epilepsy, nocturnal frontal lobe, 5; KCNT1-Related Epilepsy. Identifiers: Orphanet 98784, MedGen C3554306, MONDO:0014002, OMIM 615005.

Allele frequency attached by ClinVar (database versions not stated): ExAC below 0.00001; gnomAD 0.00001 and 0.00002; TOPMed 0.00003; gnomAD exomes 0.00009.
gnomAD v4.1: 113 of 1,404,968 alleles (0.008%); highest among the groups gnomAD compares: Non-Finnish European, 0.01%; no homozygotes.

Submissions (3):

Labcorp Genetics (formerly Invitae), Labcorp
Classification: Uncertain significance for Autosomal dominant nocturnal frontal lobe epilepsy 5; Developmental and epileptic encephalopathy, 14. Last evaluated: 2025-12-01. Review status: criteria provided, single submitter. Criteria: Invitae Variant Classification Sherloc (09022015). Collection method: clinical testing. Allele origin: germline.
Comment: This sequence change replaces methionine, which is neutral and non-polar, with valine, which is neutral and non-polar, at codon 674 of the KCNT1 protein (p.Met674Val). This variant is not present in population databases (gnomAD no frequency). This variant has not been reported in the literature in individuals affected with KCNT1-related conditions. ClinVar contains an entry for this variant (Variation ID: 540585). Invitae Evidence Modeling of protein sequence and biophysical properties (such as structural, functional, and spatial information, amino acid conservation, physicochemical variation, residue mobility, and thermodynamic stability) indicates that this missense variant is not expected to disrupt KCNT1 protein function with a negative predictive value of 80%. In summary, the available evidence is currently insufficient to determine the role of this variant in disease. Therefore, it has been classified as a Variant of Uncertain Significance.

Blueprint Genetics
Classification: Uncertain significance. Last evaluated: 2024-04-30. Review status: criteria provided, single submitter. Criteria: ACMG Guidelines, 2015. Collection method: clinical testing. Allele origin: germline.

Ambry Genetics
Classification: Uncertain significance for Inborn genetic diseases. Last evaluated: 2024-01-23. Review status: criteria provided, single submitter. Criteria: Ambry Variant Classification Scheme 2023. Collection method: clinical testing. Allele origin: germline.